The following is an entry in ClinVar:

NM_000548.5(TSC2):c.2220+11C>T

Gene: TSC2 (TSC complex subunit 2; plus strand). Cytogenetic location: 16p13.3.
Variant type: single nucleotide variant.
Coding change: c.2220+11C>T on transcript NM_000548.5 (MANE Select); 11 bases into the intron after coding-DNA position 2220, C replaced by T.
Molecular consequence: intron variant.
Genome position (GRCh38, 1-based): chr16:2,072,374, C>T. VCF-style: chr16-2072374-C-T. GRCh37 (hg19) VCF-style: chr16-2122375-C-T.
Other names: c.2220+11C>T (NM_001114382.3, NM_021055.3, NM_001370405.1 and 3 more transcripts); c.2109+11C>T (NM_001318827.2); c.1620+11C>T (NM_001318831.2); c.2073+11C>T (NM_001318829.2); c.2253+11C>T (NM_001318832.2).
Identifiers: ClinVar variation 207668 (VCV000207668.36), dbSNP rs372555496, ClinGen allele CA037196.

ClinVar aggregate classification (germline): Benign/Likely benign. Review status: criteria provided, multiple submitters, no conflicts (2 of 4 stars). 6 submissions from 6 submitters: Benign (2); Likely benign (4). Last evaluated 2026-01-25.

Conditions:
Tuberous sclerosis 2 (TSC2). Identifiers: Orphanet 805, MedGen C1860707, MONDO:0013199, OMIM 613254.

Allele frequency attached by ClinVar (database versions not stated): ESP Exome Variant Server 0.00008; gnomAD exomes 0.00008 and 0.00006; gnomAD 0.00003; ExAC 0.00005; TOPMed 0.00005.

Submissions (6):

Labcorp Genetics (formerly Invitae), Labcorp
Classification: Likely benign for Tuberous sclerosis 2. Last evaluated: 2026-01-25. Review status: criteria provided, single submitter. Criteria: Invitae Variant Classification Sherloc (09022015). Collection method: clinical testing. Allele origin: germline.

Blueprint Genetics
Classification: Likely benign. Last evaluated: 2024-03-13. Review status: criteria provided, single submitter. Criteria: ACMG Guidelines, 2015. Collection method: clinical testing. Allele origin: germline.

CeGaT Center for Human Genetics Tuebingen
Classification: Likely benign. Last evaluated: 2022-08-01. Review status: criteria provided, single submitter. Criteria: CeGaT Center For Human Genetics Tuebingen Variant Classification Criteria Version 2. Collection method: clinical testing. Allele origin: germline. Affected: yes. Observed: 1 variant allele.
Comment: TSC2: BS1

Genome-Nilou Lab
Classification: Benign for Tuberous sclerosis 2. Last evaluated: 2021-11-07. Review status: criteria provided, single submitter. Criteria: ACMG Guidelines, 2015. Collection method: clinical testing. Allele origin: germline. Affected: no.

GeneDx
Classification: Benign. Last evaluated: 2014-06-02. Review status: criteria provided, single submitter. Criteria: GeneDx Variant Classification (06012015). Collection method: clinical testing. Allele origin: germline. Affected: yes.
Comment: This variant is considered likely benign or benign based on one or more of the following criteria: it is a conservative change, it occurs at a poorly conserved position in the protein, it is predicted to be benign by multiple in silico algorithms, and/or has population frequency not consistent with disease.

PreventionGenetics, part of Exact Sciences
Classification: Likely benign. Review status: criteria provided, single submitter. Criteria: ACMG Guidelines, 2015. Collection method: clinical testing. Allele origin: germline.